The following is an entry in ClinVar:

NM_000284.4(PDHA1):c.*1059G>A

Genes: MAP3K15 (mitogen-activated protein kinase kinase kinase 15; minus strand), PDHA1 (pyruvate dehydrogenase E1 subunit alpha 1; plus strand). Cytogenetic location: Xp22.12.
Variant type: single nucleotide variant.
Coding change: c.*1059G>A on transcript NM_000284.4 (MANE Select); 1059 bases downstream of the stop codon, G replaced by A.
Molecular consequence: 3 prime UTR variant.
Genome position (GRCh38, 1-based): chrX:19,360,712, G>A. VCF-style: chrX-19360712-G-A. GRCh37 (hg19) VCF-style: chrX-19378830-G-A.
Other names: c.*37C>T (NM_001001671.4); c.*1059G>A (NM_001173454.2, NM_001173455.2, NM_001173456.2).
Identifiers: ClinVar variation 914972 (VCV000914972.5), dbSNP rs15816, ClinGen allele CA10363271.

ClinVar aggregate classification (germline): Benign. Review status: criteria provided, multiple submitters, no conflicts (2 of 4 stars). 2 submissions from 2 submitters: Benign (2). Last evaluated 2018-01-13.

Conditions:
Pyruvate dehydrogenase E1-alpha deficiency (PDHAD). Also called: Ataxia, intermittent, with pyruvate dehydrogenase, or decarboxylase, deficiency; ATAXIA, INTERMITTENT, WITH PYRUVATE DEHYDROGENASE DEFICIENCY; ATAXIA WITH LACTIC ACIDOSIS I; ATAXIA, INTERMITTENT, WITH ABNORMAL PYRUVATE METABOLISM. Identifiers: Orphanet 79243, MedGen C1839413, MONDO:0010717, OMIM 312170.

Allele frequency attached by ClinVar (database versions not stated): gnomAD exomes 0.09855; ExAC 0.11653; gnomAD 0.21813 and 0.22867; TOPMed 0.24296; 1000 Genomes Project 0.24689; 1000 Genomes Project 30x 0.25515; ESP Exome Variant Server 0.26148.
gnomAD v4.1: 83,620 of 1,048,618 alleles (8%); highest among the groups gnomAD compares: African/African-American, 67%; 10,344 homozygotes.

Submissions (2):

Illumina Laboratory Services, Illumina
Classification: Benign for Pyruvate dehydrogenase E1-alpha deficiency. Last evaluated: 2018-01-13. Review status: criteria provided, single submitter. Criteria: ICSL Variant Classification Criteria 13 December 2019. Collection method: clinical testing. Allele origin: germline.
Comment: This variant was observed in the ICSL laboratory as part of a predisposition screen in an ostensibly healthy population. It had not been previously curated by ICSL or reported in the Human Gene Mutation Database (HGMD: prior to June 1st, 2018), and was therefore a candidate for classification through an automated scoring system. Utilizing variant allele frequency, disease prevalence and penetrance estimates, and inheritance mode, an automated score was calculated to assess if this variant is too frequent to cause the disease. Based on the score and internal cut-off values, a variant classified as benign is not then subjected to further curation. The score for this variant resulted in a classification of benign for this disease.

Breakthrough Genomics
Classification: Benign. Review status: criteria provided, single submitter. Criteria: ACMG Guidelines, 2015. Collection method: not provided. Allele origin: germline. Inheritance: X-linked inheritance. Affected: yes.